The following is an entry in ClinVar:

ClinVar aggregate classification (germline): Uncertain significance (1 of 4 stars; one submission).

Conditions:
Primary ciliary dyskinesia. Also called: Ciliary dyskinesia. Identifiers: Orphanet 244, MedGen C0008780, MONDO:0016575, HP:0012265.

Allele frequency attached by ClinVar (database versions not stated): gnomAD 0.00001; TOPMed 0.00003; ExAC 0.00009; 1000 Genomes Project 30x 0.00016; 1000 Genomes Project 0.00020.
gnomAD v4.1: 7 of 1,533,922 alleles (0.00046%); highest among the groups gnomAD compares: East Asian, 0.012%; no homozygotes.

Submission:

Labcorp Genetics (formerly Invitae), Labcorp
Classification: Uncertain significance for Primary ciliary dyskinesia. Last evaluated: 2017-12-16. Review status: criteria provided, single submitter. Criteria: Invitae Variant Classification Sherloc (09022015). Collection method: clinical testing. Allele origin: germline.
Comment: In summary, the available evidence is currently insufficient to determine the role of this variant in disease. Therefore, it has been classified as a Variant of Uncertain Significance. Algorithms developed to predict the effect of missense changes on protein structure and function output the following: SIFT: "Tolerated"; PolyPhen-2: "Benign"; Align-GVGD: "Class C0". The alanine amino acid residue is found in multiple mammalian species, suggesting that this missense change does not adversely affect protein function. These predictions have not been confirmed by published functional studies and their clinical significance is uncertain. This variant has not been reported in the literature in individuals with DNAAF2-related disease. While this variant is present in population databases (rs547345322), the frequency information is unreliable, as metrics indicate poor data quality at this position in the ExAC database. This sequence change replaces proline with alanine at codon 418 of the DNAAF2 protein (p.Pro418Ala). The proline residue is weakly conserved and there is a small physicochemical difference between proline and alanine.

NM_018139.3(DNAAF2):c.1252C>G (p.Pro418Ala)

Genes: DNAAF2 (dynein axonemal assembly factor 2; minus strand), LOC130055542 (ATAC-STARR-seq lymphoblastoid silent region 5699; plus strand). Cytogenetic location: 14q21.3.
Variant type: single nucleotide variant.
Coding change: c.1252C>G on transcript NM_018139.3 (MANE Select); coding-DNA position 1252, C replaced by G.
Protein change: p.Pro418Ala; replaces proline 418 with alanine.
Molecular consequence: missense variant. On other transcripts: 5 prime UTR variant (1).
Genome position (GRCh38, 1-based): chr14:49,633,898, G>C on the plus strand (C>G on the coding strand, the complement: DNAAF2 is on the minus strand). VCF-style: chr14-49633898-G-C. GRCh37 (hg19) VCF-style: chr14-50100616-G-C.
Other names: c.1252C>G, p.Pro418Ala (NM_001083908.2); c.-620C>G (NM_001378453.1); short protein forms P418A.
Identifiers: ClinVar variation 525406 (VCV000525406.9), dbSNP rs547345322, ClinGen allele CA7172947.